The following is an entry in ClinVar:

NM_001379286.1(ZNF423):c.530C>T (p.Thr177Ile)

Gene: ZNF423 (zinc finger protein 423; minus strand). Cytogenetic location: 16q12.1.
Variant type: single nucleotide variant.
Coding change: c.530C>T on transcript NM_001379286.1 (MANE Select); coding-DNA position 530, C replaced by T.
Protein change: p.Thr177Ile; replaces threonine 177 with isoleucine.
Molecular consequence: missense variant.
Genome position (GRCh38, 1-based): chr16:49,638,646, G>A on the plus strand (C>T on the coding strand, the complement: ZNF423 is on the minus strand). VCF-style: chr16-49638646-G-A. GRCh37 (hg19) VCF-style: chr16-49672557-G-A.
Other names: c.326C>T, p.Thr109Ile (NM_001271620.2); c.155C>T, p.Thr52Ile (NM_001330533.2); c.506C>T, p.Thr169Ile (NM_015069.5); short protein forms T109I, T177I, T52I, T169I.
Identifiers: ClinVar variation 1959533 (VCV001959533.6), dbSNP rs1972854605, ClinGen allele CA395852270.

ClinVar aggregate classification (germline): Uncertain significance. Review status: criteria provided, multiple submitters, no conflicts (2 of 4 stars). 2 submissions from 2 submitters: Uncertain significance (2). Last evaluated 2022-07-09.

Conditions:
Nephronophthisis 14 (NPHP14). Identifiers: Orphanet 2318, MedGen C3539071, MONDO:0013916, OMIM 614844.

Allele frequency attached by ClinVar (database versions not stated): TOPMed below 0.00001.

Submissions (2):

Labcorp Genetics (formerly Invitae), Labcorp
Classification: Uncertain significance for Nephronophthisis 14. Last evaluated: 2022-07-09. Review status: criteria provided, single submitter. Criteria: Invitae Variant Classification Sherloc (09022015). Collection method: clinical testing. Allele origin: germline.
Comment: In summary, the available evidence is currently insufficient to determine the role of this variant in disease. Therefore, it has been classified as a Variant of Uncertain Significance. Algorithms developed to predict the effect of missense changes on protein structure and function are either unavailable or do not agree on the potential impact of this missense change (SIFT: "Tolerated"; PolyPhen-2: "Possibly Damaging"; Align-GVGD: "Class C0"). This variant has not been reported in the literature in individuals affected with ZNF423-related conditions. This variant is not present in population databases (gnomAD no frequency). This sequence change replaces threonine, which is neutral and polar, with isoleucine, which is neutral and non-polar, at codon 169 of the ZNF423 protein (p.Thr169Ile).

Blueprint Genetics
Classification: Uncertain significance. Last evaluated: 2021-01-21. Review status: criteria provided, single submitter. Criteria: ACMG Guidelines, 2015. Collection method: clinical testing. Allele origin: germline.